The following is an entry in ClinVar:

NM_003978.5(PSTPIP1):c.1098G>A (p.Ala366=)

Gene: PSTPIP1 (proline-serine-threonine phosphatase interacting protein 1; plus strand). Cytogenetic location: 15q24.3.
Variant type: single nucleotide variant.
Coding change: c.1098G>A on transcript NM_003978.5 (MANE Select); coding-DNA position 1098, G replaced by A.
Protein change: p.Ala366=; no amino-acid change (alanine 366 retained).
Molecular consequence: synonymous variant. On other transcripts: non-coding transcript variant (1).
Genome position (GRCh38, 1-based): chr15:77,035,914, G>A. VCF-style: chr15-77035914-G-A. GRCh37 (hg19) VCF-style: chr15-77328255-G-A.
Other names: p.Ala366=; c.1041G>A, p.Ala347= (NM_001321135.2); c.1071G>A, p.Ala357= (NM_001321136.2); c.1293G>A, p.Ala431= (NM_001321137.1).
Identifiers: ClinVar variation 259207 (VCV000259207.58), dbSNP rs35538044, ClinGen allele CA7676161.

ClinVar aggregate classification (germline): Benign/Likely benign. Review status: criteria provided, multiple submitters, no conflicts (2 of 4 stars). 12 submissions from 12 submitters: Benign (6); Likely benign (4). 2 of the submissions do not count toward it. Last evaluated 2026-08-01.

Conditions:
Autoinflammatory syndrome. Identifiers: Orphanet 93665, MedGen C3890737, MONDO:0019751.
Pyogenic arthritis-pyoderma gangrenosum-acne syndrome (PAPA). Also called: PAPA SYNDROME; FAMILIAL RECURRENT ARTHRITIS. Identifiers: Orphanet 69126, MedGen C1858361, MONDO:0011462, OMIM 604416.

Allele frequency attached by ClinVar (database versions not stated): 1000 Genomes Project 30x 0.00141; 1000 Genomes Project 0.00160; gnomAD exomes 0.00344; ExAC 0.00433; gnomAD 0.00473 and 0.00501; ESP Exome Variant Server 0.00500; TOPMed 0.00500.
gnomAD v4.1: 7,626 of 1,607,234 alleles (0.47%); highest among the groups gnomAD compares: Non-Finnish European, 0.53%; 21 homozygotes.

Submissions (12):

CeGaT Center for Human Genetics Tuebingen
Classification: Likely benign. Last evaluated: 2026-08-01. Review status: criteria provided, single submitter. Criteria: CeGaT Center For Human Genetics Tuebingen Variant Classification Criteria Version 2. Collection method: clinical testing. Allele origin: germline. Affected: yes. Observed: 17 variant alleles.
Comment: PSTPIP1: BP4, BP7, BS2

Labcorp Genetics (formerly Invitae), Labcorp
Classification: Benign for Pyogenic arthritis-pyoderma gangrenosum-acne syndrome. Last evaluated: 2026-02-01. Review status: criteria provided, single submitter. Criteria: Invitae Variant Classification Sherloc (09022015). Collection method: clinical testing. Allele origin: germline.

ARUP Laboratories, Molecular Genetics and Genomics, ARUP Laboratories
Classification: Benign. Last evaluated: 2025-05-02. Review status: criteria provided, single submitter. Criteria: ARUP Molecular Germline Variant Investigation Process 2024. Collection method: clinical testing. Allele origin: germline.

Mayo Clinic Laboratories, Mayo Clinic
Classification: Benign. Last evaluated: 2025-01-20. Review status: criteria provided, single submitter. Criteria: ACMG Guidelines, 2015. Collection method: clinical testing. Allele origin: germline. Observed: 9 variant alleles.
Comment: BS1, BS2, BP4, BP7

Blueprint Genetics
Classification: Likely benign. Last evaluated: 2024-11-19. Review status: criteria provided, single submitter. Criteria: ACMG Guidelines, 2015. Collection method: clinical testing. Allele origin: germline.

Genome Diagnostics Laboratory, The Hospital for Sick Children
Classification: Benign for Autoinflammatory syndrome. Last evaluated: 2021-04-12. Review status: criteria provided, single submitter. Criteria: ACMG Guidelines, 2015. Collection method: clinical testing. Allele origin: germline. Affected: yes.

Illumina Laboratory Services, Illumina
Classification: Benign for Pyogenic arthritis-pyoderma gangrenosum-acne syndrome. Last evaluated: 2018-01-13. Review status: criteria provided, single submitter. Criteria: ICSL Variant Classification Criteria 13 December 2019. Collection method: clinical testing. Allele origin: germline.
Comment: This variant was observed in the ICSL laboratory as part of a predisposition screen in an ostensibly healthy population. It had not been previously curated by ICSL or reported in the Human Gene Mutation Database (HGMD: prior to June 1st, 2018), and was therefore a candidate for classification through an automated scoring system. Utilizing variant allele frequency, disease prevalence and penetrance estimates, and inheritance mode, an automated score was calculated to assess if this variant is too frequent to cause the disease. Based on the score and internal cut-off values, a variant classified as benign is not then subjected to further curation. The score for this variant resulted in a classification of benign for this disease.

GeneDx
Classification: Benign. Last evaluated: 2015-03-03. Review status: criteria provided, single submitter. Criteria: GeneDx Variant Classification Process June 2021. Collection method: clinical testing. Allele origin: germline. Affected: yes.

Breakthrough Genomics
Classification: Likely benign. Review status: criteria provided, single submitter. Criteria: ACMG Guidelines, 2015. Collection method: not provided. Allele origin: germline. Inheritance: Autosomal dominant inheritance. Affected: yes.

PreventionGenetics, part of Exact Sciences
Classification: Likely benign. Review status: criteria provided, single submitter. Criteria: ACMG Guidelines, 2015. Collection method: clinical testing. Allele origin: germline.

Clinical Genetics DNA and cytogenetics Diagnostics Lab, Erasmus MC, Erasmus Medical Center
Classification: Likely benign. Review status: no assertion criteria provided. Collection method: clinical testing. Allele origin: germline. Affected: yes. Study: VKGL Data-share Consensus. Not counted in ClinVar's aggregate classification.

Genome Diagnostics Laboratory, University Medical Center Utrecht
Classification: Benign. Review status: no assertion criteria provided. Collection method: clinical testing. Allele origin: germline. Affected: yes. Study: VKGL Data-share Consensus. Not counted in ClinVar's aggregate classification.